The following is an entry in ClinVar:

ClinVar aggregate classification (germline): Uncertain significance (1 of 4 stars; one submission).

Conditions:
Inborn genetic diseases. Identifiers: MedGen C0950123, MeSH D030342.

Submission:

Ambry Genetics
Classification: Uncertain significance for Inborn genetic diseases. Last evaluated: 2025-07-01. Review status: criteria provided, single submitter. Criteria: Ambry Variant Classification Scheme 2023. Collection method: clinical testing. Allele origin: germline.
Comment: The p.V460I variant (also known as c.1378G>A), located in coding exon 13 of the DDX41 gene, results from a G to A substitution at nucleotide position 1378. The valine at codon 460 is replaced by isoleucine, an amino acid with highly similar properties. This amino acid position is highly conserved in available vertebrate species. In addition, the in silico prediction for this alteration is inconclusive. Based on the available evidence, the clinical significance of this variant remains unclear.

NM_016222.4(DDX41):c.1378G>A (p.Val460Ile)

Gene: DDX41 (DEAD-box helicase 41; minus strand). Cytogenetic location: 5q35.3.
Variant type: single nucleotide variant.
Coding change: c.1378G>A on transcript NM_016222.4 (MANE Select); coding-DNA position 1378, G replaced by A.
Protein change: p.Val460Ile; replaces valine 460 with isoleucine.
Molecular consequence: missense variant.
Genome position (GRCh38, 1-based): chr5:177,512,801, C>T on the plus strand (G>A on the coding strand, the complement: DDX41 is on the minus strand). VCF-style: chr5-177512801-C-T. GRCh37 (hg19) VCF-style: chr5-176939802-C-T.
Other names: c.1000G>A, p.Val334Ile (NM_001321732.2, NM_001321830.2); short protein forms V460I, V334I.
Identifiers: ClinVar variation 4238712 (VCV004238712.1).